The following is an entry in ClinVar:

NM_003573.2(LTBP4):c.7G>A (p.Asp3Asn)

Gene: LTBP4 (latent transforming growth factor beta binding protein 4; plus strand). Cytogenetic location: 19q13.2.
Variant type: single nucleotide variant.
Coding change: c.7G>A on transcript NM_003573.2; coding-DNA position 7, G replaced by A.
Protein change: p.Asp3Asn; replaces aspartic acid 3 with asparagine.
Molecular consequence: missense variant.
Genome position (GRCh38, 1-based): chr19:40,593,172, G>A. VCF-style: chr19-40593172-G-A. GRCh37 (hg19) VCF-style: chr19-41099078-G-A.
Other names: short protein forms D3N.
Identifiers: ClinVar variation 3600975 (VCV003600975.1).

ClinVar aggregate classification (germline): Uncertain significance (1 of 4 stars; one submission).

gnomAD v4.1: 2 of 1,613,808 alleles (0.00012%); highest among the groups gnomAD compares: Non-Finnish European, 0.00017%; no homozygotes.

Submission:

GeneDx
Classification: Uncertain significance. Last evaluated: 2024-07-23. Review status: criteria provided, single submitter. Criteria: GeneDx Variant Classification Process June 2021. Collection method: clinical testing. Allele origin: germline. Affected: yes.
Comment: Not observed at significant frequency in large population cohorts (gnomAD); In silico analysis indicates that this missense variant does not alter protein structure/function; Has not been previously published as pathogenic or benign to our knowledge